The following is an entry in ClinVar:

NM_033453.4(ITPA):c.403C>T (p.Arg135Trp)

Genes: ITPA (inosine triphosphatase; plus strand), LOC130065322 (ATAC-STARR-seq lymphoblastoid silent region 12615; plus strand). Cytogenetic location: 20p13.
Variant type: single nucleotide variant.
Coding change: c.403C>T on transcript NM_033453.4 (MANE Select); coding-DNA position 403, C replaced by T.
Protein change: p.Arg135Trp; replaces arginine 135 with tryptophan.
Molecular consequence: missense variant. On other transcripts: synonymous variant (4), non-coding transcript variant (2).
Genome position (GRCh38, 1-based): chr20:3,218,624, C>T. VCF-style: chr20-3218624-C-T. GRCh37 (hg19) VCF-style: chr20-3199270-C-T.
Other names: c.280C>T, p.Arg94Trp (NM_001267623.2); c.66C>T, p.Ala22= (NM_001324236.2, NM_001324237.2, NM_001324238.2 and 1 more transcripts); c.403C>T, p.Arg135Trp (NM_001324240.2); c.352C>T, p.Arg118Trp (NM_181493.4); short protein forms R135W, R118W, R94W.
Identifiers: ClinVar variation 572048 (VCV000572048.7), dbSNP rs749416835, ClinGen allele CA9741287.

ClinVar aggregate classification (germline): Uncertain significance. Review status: criteria provided, multiple submitters, no conflicts (2 of 4 stars). 2 submissions from 2 submitters: Uncertain significance (2). Last evaluated 2022-12-14.

Conditions:
Inosine triphosphatase deficiency. Also called: INOSINE TRIPHOSPHATE PYROPHOSPHOHYDROLASE DEFICIENCY. Identifiers: MedGen C0342800, MONDO:0013461, OMIM 613850.

Allele frequency attached by ClinVar (database versions not stated): ExAC 0.00002; gnomAD 0.00002; TOPMed 0.00006.
gnomAD v4.1: 52 of 1,611,046 alleles (0.0032%); highest among the groups gnomAD compares: Non-Finnish European, 0.0044%; no homozygotes.

Submissions (2):

Blueprint Genetics
Classification: Uncertain significance. Last evaluated: 2022-12-14. Review status: criteria provided, single submitter. Criteria: ACMG Guidelines, 2015. Collection method: clinical testing. Allele origin: germline.

Labcorp Genetics (formerly Invitae), Labcorp
Classification: Uncertain significance for Inosine triphosphatase deficiency. Last evaluated: 2022-10-26. Review status: criteria provided, single submitter. Criteria: Invitae Variant Classification Sherloc (09022015). Collection method: clinical testing. Allele origin: germline.
Comment: This sequence change replaces arginine, which is basic and polar, with tryptophan, which is neutral and slightly polar, at codon 135 of the ITPA protein (p.Arg135Trp). This variant is present in population databases (rs749416835, gnomAD 0.006%). This variant has not been reported in the literature in individuals affected with ITPA-related conditions. ClinVar contains an entry for this variant (Variation ID: 572048). Algorithms developed to predict the effect of missense changes on protein structure and function are either unavailable or do not agree on the potential impact of this missense change (SIFT: "Deleterious"; PolyPhen-2: "Possibly Damaging"; Align-GVGD: "Class C0"). In summary, the available evidence is currently insufficient to determine the role of this variant in disease. Therefore, it has been classified as a Variant of Uncertain Significance.